The following is an entry in ClinVar:

ClinVar aggregate classification (germline): Uncertain significance (1 of 4 stars; one submission).

Conditions:
Amyotrophic lateral sclerosis type 21. Also called: MYOPATHY, DISTAL, 2; VOCAL CORD AND PHARYNGEAL DYSFUNCTION WITH DISTAL MYOPATHY. Identifiers: Orphanet 600, Orphanet 803, MedGen C3807521, MONDO:0011632, OMIM 606070.

Submission:

Labcorp Genetics (formerly Invitae), Labcorp
Classification: Uncertain significance for Amyotrophic lateral sclerosis type 21. Last evaluated: 2022-07-01. Review status: criteria provided, single submitter. Criteria: Invitae Variant Classification Sherloc (09022015). Collection method: clinical testing. Allele origin: germline.
Comment: In summary, the available evidence is currently insufficient to determine the role of this variant in disease. Therefore, it has been classified as a Variant of Uncertain Significance. Algorithms developed to predict the effect of missense changes on protein structure and function are either unavailable or do not agree on the potential impact of this missense change (SIFT: "Tolerated"; PolyPhen-2: "Probably Damaging"; Align-GVGD: "Class C0"). This variant has not been reported in the literature in individuals affected with MATR3-related conditions. This variant is not present in population databases (gnomAD no frequency). This sequence change replaces glutamic acid, which is acidic and polar, with aspartic acid, which is acidic and polar, at codon 262 of the MATR3 protein (p.Glu262Asp).

NM_018834.6(MATR3):c.786G>C (p.Glu262Asp)

Gene: MATR3 (matrin 3; plus strand). Cytogenetic location: 5q31.2.
Variant type: single nucleotide variant.
Coding change: c.786G>C on transcript NM_018834.6 (MANE Select); coding-DNA position 786, G replaced by C.
Protein change: p.Glu262Asp; replaces glutamic acid 262 with aspartic acid.
Molecular consequence: missense variant. On other transcripts: intron variant (11).
Genome position (GRCh38, 1-based): chr5:139,308,201, G>C. VCF-style: chr5-139308201-G-C. GRCh37 (hg19) VCF-style: chr5-138643890-G-C.
Other names: c.786G>C, p.Glu262Asp (NM_001194954.2, NM_001194955.2, NM_001400441.1 and 16 more transcripts); c.52-6474G>C (NM_001400459.1); c.-102-6474G>C (NM_001400463.1, NM_001400460.1, NM_001282278.2 and 3 more transcripts); c.-40-7496G>C (NM_001400462.1, NM_001400467.1); c.13-6474G>C (NM_001400461.1); c.49-6474G>C (NM_001194956.2); short protein forms E262D.
Identifiers: ClinVar variation 1944172 (VCV001944172.5), dbSNP rs2546758778, ClinGen allele CA361488067.
Genomic context (GRCh38, chr5:139,308,201, plus strand): 5'-CTATCATAAATTTGACAGTGAGTATGAGAGAATGGGACGTGGTCCTGGCCCCTTACAAGA[G>C]AGATCTCTCTTTGAGAAAAAGAGAGGCGCTCCTCCAAGTAGCAATATTGAAGACTTCCAT-3'
Protein context (NP_061322.2, residues 252-272): RMGRGPGPLQ[Glu262Asp]RSLFEKKRGA